The following is an entry in ClinVar:

NM_213622.4(STAMBP):c.557G>A (p.Gly186Glu)

Gene: STAMBP (STAM binding protein; plus strand). Cytogenetic location: 2p13.1.
Variant type: single nucleotide variant.
Coding change: c.557G>A on transcript NM_213622.4 (MANE Select); coding-DNA position 557, G replaced by A.
Protein change: p.Gly186Glu; replaces glycine 186 with glutamic acid.
Molecular consequence: missense variant. On other transcripts: non-coding transcript variant (4).
Genome position (GRCh38, 1-based): chr2:73,847,568, G>A. VCF-style: chr2-73847568-G-A. GRCh37 (hg19) VCF-style: chr2-74074695-G-A.
Other names: c.557G>A, p.Gly186Glu (NM_001353967.2, NM_001353968.2, NM_001353969.2 and 3 more transcripts); c.152G>A, p.Gly51Glu (NM_001353971.2, NM_001353972.2, NM_001353973.2 and 3 more transcripts); c.557G>A (NM_213622.2); short protein forms G51E, G186E.
Identifiers: ClinVar variation 1901983 (VCV001901983.5), dbSNP rs1044244423, ClinGen allele CA50403195.

ClinVar aggregate classification (germline): Uncertain significance. Review status: criteria provided, multiple submitters, no conflicts (2 of 4 stars). 2 submissions from 2 submitters: Uncertain significance (2). Last evaluated 2024-11-25.

Conditions:
Inborn genetic diseases. Identifiers: MedGen C0950123, MeSH D030342.

Allele frequency attached by ClinVar (database versions not stated): gnomAD 0.00001; gnomAD exomes 0.00001; TOPMed 0.00001; 1000 Genomes Project 30x 0.00016.
gnomAD v4.1: 6 of 1,614,162 alleles (0.00037%); highest among the groups gnomAD compares: Admixed American, 0.0017%; no homozygotes.

Submissions (2):

Ambry Genetics
Classification: Uncertain significance for Inborn genetic diseases. Last evaluated: 2024-11-25. Review status: criteria provided, single submitter. Criteria: Ambry Variant Classification Scheme 2023. Collection method: clinical testing. Allele origin: germline.

Labcorp Genetics (formerly Invitae), Labcorp
Classification: Uncertain significance. Last evaluated: 2022-08-15. Review status: criteria provided, single submitter. Criteria: Invitae Variant Classification Sherloc (09022015). Collection method: clinical testing. Allele origin: germline.
Comment: This sequence change replaces glycine, which is neutral and non-polar, with glutamic acid, which is acidic and polar, at codon 186 of the STAMBP protein (p.Gly186Glu). This variant is not present in population databases (gnomAD no frequency). This variant has not been reported in the literature in individuals affected with STAMBP-related conditions. Algorithms developed to predict the effect of missense changes on protein structure and function (SIFT, PolyPhen-2, Align-GVGD) all suggest that this variant is likely to be tolerated. Algorithms developed to predict the effect of sequence changes on RNA splicing suggest that this variant may create or strengthen a splice site. In summary, the available evidence is currently insufficient to determine the role of this variant in disease. Therefore, it has been classified as a Variant of Uncertain Significance.